The following is an entry in ClinVar:

ClinVar aggregate classification (germline): Uncertain significance. Review status: criteria provided, multiple submitters, no conflicts (2 of 4 stars). 2 submissions from 2 submitters: Uncertain significance (2). Last evaluated 2025-11-08.

Conditions:
Joubert syndrome 25 (JBTS25). Identifiers: Orphanet 475, MedGen C4084842, MONDO:0014770, OMIM 616781.
Inborn genetic diseases. Identifiers: MedGen C0950123, MeSH D030342.

gnomAD v4.1: 15 of 1,607,448 alleles (0.00093%); highest among the groups gnomAD compares: South Asian, 0.0022%; no homozygotes.

Submissions (2):

Ambry Genetics
Classification: Uncertain significance for Inborn genetic diseases. Last evaluated: 2025-11-08. Review status: criteria provided, single submitter. Criteria: Ambry Variant Classification Scheme 2023. Collection method: clinical testing. Allele origin: germline.

Labcorp Genetics (formerly Invitae), Labcorp
Classification: Uncertain significance for Joubert syndrome 25. Last evaluated: 2021-09-01. Review status: criteria provided, single submitter. Criteria: Invitae Variant Classification Sherloc (09022015). Collection method: clinical testing. Allele origin: germline.
Comment: This sequence change replaces alanine with glutamic acid at codon 895 of the CEP104 protein (p.Ala895Glu). The alanine residue is weakly conserved and there is a moderate physicochemical difference between alanine and glutamic acid. This variant is present in population databases (rs754145994, ExAC 0.003%). This variant has not been reported in the literature in individuals affected with CEP104-related conditions. Algorithms developed to predict the effect of missense changes on protein structure and function (SIFT, PolyPhen-2, Align-GVGD) all suggest that this variant is likely to be tolerated. In summary, the available evidence is currently insufficient to determine the role of this variant in disease. Therefore, it has been classified as a Variant of Uncertain Significance.

NM_014704.4(CEP104):c.2684C>A (p.Ala895Glu)

Gene: CEP104 (centrosomal protein 104; minus strand). Cytogenetic location: 1p36.32.
Variant type: single nucleotide variant.
Coding change: c.2684C>A on transcript NM_014704.4 (MANE Select); coding-DNA position 2684, C replaced by A.
Protein change: p.Ala895Glu; replaces alanine 895 with glutamic acid.
Molecular consequence: missense variant.
Genome position (GRCh38, 1-based): chr1:3,815,496, G>T on the plus strand (C>A on the coding strand, the complement: CEP104 is on the minus strand). VCF-style: chr1-3815496-G-T. GRCh37 (hg19) VCF-style: chr1-3732060-G-T.
Other names: c.2684C>A (NM_014704.3); short protein forms A895E.
Identifiers: ClinVar variation 1428291 (VCV001428291.7), dbSNP rs754145994, ClinGen allele CA551185.